The following is an entry in ClinVar:

ClinVar aggregate classification (germline): Likely benign. Review status: criteria provided, multiple submitters, no conflicts (2 of 4 stars). 2 submissions from 2 submitters: Likely benign (2). Last evaluated 2025-11-19.

Conditions:
DNA ligase IV deficiency. Identifiers: Orphanet 99812, MedGen C1847827, MONDO:0011686, OMIM 606593.

Submissions (2):

Labcorp Genetics (formerly Invitae), Labcorp
Classification: Likely benign for DNA ligase IV deficiency. Last evaluated: 2025-11-19. Review status: criteria provided, single submitter. Criteria: Invitae Variant Classification Sherloc (09022015). Collection method: clinical testing. Allele origin: germline.

Mayo Clinic Laboratories, Mayo Clinic
Classification: Likely benign. Last evaluated: 2025-04-28. Review status: criteria provided, single submitter. Criteria: ACMG Guidelines, 2015. Collection method: clinical testing. Allele origin: germline. Observed: 1 variant allele.
Comment: BP4, BP7, PM2_supporting

NM_206937.2(LIG4):c.2442A>G (p.Arg814=)

Gene: LIG4 (DNA ligase 4; minus strand). Cytogenetic location: 13q33.3.
Variant type: single nucleotide variant.
Coding change: c.2442A>G on transcript NM_206937.2 (MANE Select); coding-DNA position 2442, A replaced by G.
Protein change: p.Arg814=; no amino-acid change (arginine 814 retained).
Molecular consequence: synonymous variant.
Genome position (GRCh38, 1-based): chr13:108,208,827, T>C on the plus strand (A>G on the coding strand, the complement: LIG4 is on the minus strand). VCF-style: chr13-108208827-T-C. GRCh37 (hg19) VCF-style: chr13-108861175-T-C.
Other names: p.Arg814=; c.2442A>G, p.Arg814= (NM_001098268.2, NM_001352598.2, NM_001352599.2 and 6 more transcripts); c.2241A>G, p.Arg747= (NM_001330595.2); c.2478A>G, p.Arg826= (NM_001352604.2).
Identifiers: ClinVar variation 4683832 (VCV004683832.2).